The following is an entry in ClinVar:

ClinVar aggregate classification (germline): Uncertain significance (1 of 4 stars; one submission).

Conditions:
Basal cell nevus syndrome 1 (BCNS1). Also called: GORLIN-GOLTZ SYNDROME; MULTIPLE BASAL CELL NEVI, ODONTOGENIC KERATOCYSTS, AND SKELETAL ANOMALIES. Identifiers: MedGen CN376810, MONDO:0958174, OMIM 109400.

Submission:

St. Jude Molecular Pathology, St. Jude Children's Research Hospital
Classification: Uncertain significance for Basal cell nevus syndrome 1. Last evaluated: 2023-12-13. Review status: criteria provided, single submitter. Criteria: St. Jude Assertion Criteria 2020. Collection method: clinical testing. Allele origin: germline.
Comment: The PTCH1 c.166G>A (p.Asp56Asn) missense change is absent in gnomAD v2.1.1. The in silico tool REVEL predicts a benign effect on protein function, but to our knowledge this prediction has not been confirmed by functional studies. To our knowledge, this variant has not been reported in individuals with nevoid basal cell carcinoma syndrome. In summary, the evidence currently available is insufficient to determine the clinical significance of this variant. It has therefore been classified as of uncertain significance.

NM_001083603.3(PTCH1):c.166G>A (p.Asp56Asn)

Gene: PTCH1 (patched 1; minus strand). Cytogenetic location: 9q22.32.
Variant type: single nucleotide variant.
Coding change: c.166G>A on transcript NM_001083603.3 (MANE Plus Clinical); coding-DNA position 166, G replaced by A.
Protein change: p.Asp56Asn; replaces aspartic acid 56 with asparagine.
Molecular consequence: missense variant. On other transcripts: 5 prime UTR variant (2).
Genome position (GRCh38, 1-based): chr9:95,516,655, C>T on the plus strand (G>A on the coding strand, the complement: PTCH1 is on the minus strand). VCF-style: chr9-95516655-C-T. GRCh37 (hg19) VCF-style: chr9-98278937-C-T.
Other names: c.-184G>A (NM_001083602.3, NM_001354919.2); short protein forms D56N.
Identifiers: ClinVar variation 3377793 (VCV003377793.1).